The following is an entry in ClinVar:

NM_018489.3(ASH1L):c.503A>T (p.Gln168Leu)

Gene: ASH1L (ASH1 like histone lysine methyltransferase; minus strand). Cytogenetic location: 1q22.
Variant type: single nucleotide variant.
Coding change: c.503A>T on transcript NM_018489.3 (MANE Select); coding-DNA position 503, A replaced by T.
Protein change: p.Gln168Leu; replaces glutamine 168 with leucine.
Molecular consequence: missense variant.
Genome position (GRCh38, 1-based): chr1:155,482,367, T>A on the plus strand (A>T on the coding strand, the complement: ASH1L is on the minus strand). VCF-style: chr1-155482367-T-A. GRCh37 (hg19) VCF-style: chr1-155452158-T-A.
Other names: c.503A>T, p.Gln168Leu (NM_001366177.2); short protein forms Q168L.
Identifiers: ClinVar variation 3252354 (VCV003252354.1), dbSNP rs2527210386.

ClinVar aggregate classification (germline): Uncertain significance (1 of 4 stars; one submission).

gnomAD v4.1: 1 of 1,614,174 alleles (0.000062%); highest among the groups gnomAD compares: Admixed American, 0.0017%; no homozygotes.

Submission:

GeneDx
Classification: Uncertain significance. Last evaluated: 2023-08-19. Review status: criteria provided, single submitter. Criteria: GeneDx Variant Classification Process June 2021. Collection method: clinical testing. Allele origin: germline. Affected: yes.
Comment: Not observed at significant frequency in large population cohorts (gnomAD); In silico analysis supports that this missense variant does not alter protein structure/function; Reported in one individual from a cohort of individuals with autism (Guo et al., 2018); This variant is associated with the following publications: (PMID: 30564305)